The following is an entry in ClinVar:

NM_020911.2(PLXNA4):c.4293G>A (p.Glu1431=)

Gene: PLXNA4 (plexin A4; minus strand). Cytogenetic location: 7q32.3.
Variant type: single nucleotide variant.
Coding change: c.4293G>A on transcript NM_020911.2 (MANE Select); coding-DNA position 4293, G replaced by A.
Protein change: p.Glu1431=; no amino-acid change (glutamic acid 1431 retained).
Molecular consequence: synonymous variant.
Genome position (GRCh38, 1-based): chr7:132,165,194, C>T on the plus strand (G>A on the coding strand, the complement: PLXNA4 is on the minus strand). VCF-style: chr7-132165194-C-T. GRCh37 (hg19) VCF-style: chr7-131849953-C-T.
Other names: c.4293G>A, p.Glu1431= (NM_001393897.1).
Identifiers: ClinVar variation 3029748 (VCV003029748.2), dbSNP rs1412538771, ClinGen allele CA457679339.
Genomic context (GRCh38, chr7:132,165,194, plus strand): 5'-CTTGAGGAACTTGTAGAGGAGGAAAGTAAACCAATTGGTCAGCATCTTCTCAGCCACTGA[C>T]TCAGTCCTGTCAGCAGTCACCGAGGGAACCAACGGAACAAGACAAAGAAAGAAGCAGCTG-3'
Protein context (NP_065962.1, residues 1421-1441): NHPKLLLRRT[Glu1431=]SVAEKMLTNW

ClinVar aggregate classification (germline): Likely benign (0 of 4 stars; one submission).

Conditions:
PLXNA4-related disorder. Also called: PLXNA4-related condition.

Allele frequency attached by ClinVar (database versions not stated): gnomAD exomes below 0.00001; gnomAD 0.00001; TOPMed 0.00001.
gnomAD v4.1: 3 of 1,613,106 alleles (0.00019%); highest among the groups gnomAD compares: Non-Finnish European, 0.00025%; no homozygotes.

Submission:

PreventionGenetics, part of Exact Sciences
Classification: Likely benign for PLXNA4-related condition. Last evaluated: 2023-04-13. Review status: no assertion criteria provided. Collection method: clinical testing. Allele origin: germline.
Comment: This variant is classified as likely benign based on ACMG/AMP sequence variant interpretation guidelines (Richards et al. 2015 PMID: 25741868, with internal and published modifications).